The following is an entry in ClinVar:

NM_203395.3(IYD):c.658G>A (p.Ala220Thr)

Gene: IYD (iodotyrosine deiodinase; plus strand). Cytogenetic location: 6q25.1.
Variant type: single nucleotide variant.
Coding change: c.658G>A on transcript NM_203395.3 (MANE Select); coding-DNA position 658, G replaced by A.
Protein change: p.Ala220Thr; replaces alanine 220 with threonine.
Molecular consequence: missense variant. On other transcripts: non-coding transcript variant (1).
Genome position (GRCh38, 1-based): chr6:150,394,226, G>A. VCF-style: chr6-150394226-G-A. GRCh37 (hg19) VCF-style: chr6-150715362-G-A.
Other names: c.658G>A, p.Ala220Thr (NM_001164694.2, NM_001164695.2); c.412G>A, p.Ala138Thr (NM_001318495.2); c.658G>A (NM_001164694.1); short protein forms A220T, A138T.
Identifiers: ClinVar variation 740 (VCV000000740.6), dbSNP rs121918140, ClinGen allele CA114467.

ClinVar aggregate classification (germline): Pathogenic/Likely pathogenic. Review status: criteria provided, multiple submitters, no conflicts (2 of 4 stars). 5 submissions from 5 submitters: Pathogenic (2); Likely pathogenic (2). 1 of the submissions does not count toward it. Last evaluated 2025-06-16.

Conditions:
IYD-related disorder. Also called: IYD-related condition.
Iodotyrosine deiodination defect (TDH4). Also called: Thyroid dyshormonogenesis 4; THYROID HORMONOGENESIS, GENETIC DEFECT IN, 4; DEIODINASE DEFICIENCY; HYPOTHYROIDISM, CONGENITAL, DUE TO DYSHORMONOGENESIS, 4; IODOTYROSINE DEHALOGENASE DEFICIENCY. Identifiers: Orphanet 95716, MedGen C0342195, MONDO:0010136, OMIM 274800.

Allele frequency attached by ClinVar (database versions not stated): ExAC 0.00002; gnomAD exomes 0.00004; TOPMed 0.00004; gnomAD 0.00010 and 0.00011.
gnomAD v4.1: 70 of 1,614,018 alleles (0.0043%); highest among the groups gnomAD compares: Middle Eastern, 0.049%; no homozygotes.

Submissions (5):

First Genomix Gene Laboratory, Genetic Diagnostics Department
Classification: Pathogenic for Iodotyrosine deiodination defect. Last evaluated: 2025-06-16. Review status: criteria provided, single submitter. Criteria: ACMG Guidelines, 2015. Collection method: clinical testing. Allele origin: germline. Inheritance: Autosomal recessive inheritance. Affected: no. Observed: 1 variant allele.

Women's Health and Genetics/Laboratory Corporation of America, LabCorp
Classification: Pathogenic for Iodotyrosine deiodination defect. Last evaluated: 2025-06-04. Review status: criteria provided, single submitter. Criteria: LabCorp Variant Classification Summary - May 2015. Collection method: clinical testing. Allele origin: germline.
Comment: Variant summary: IYD c.658G>A (p.Ala220Thr) results in a non-conservative amino acid change in the encoded protein sequence. Algorithms developed to predict the effect of missense changes on protein structure and function all suggest that this variant is likely to be disruptive. The variant allele was found at a frequency of 3.6e-05 in 251438 control chromosomes. c.658G>A has been observed in multiple homozygous individuals affected with Iodotyrosine deiodination defect (examples: Afink_2008, Boros_2024). These data indicate that the variant is very likely to be associated with disease.The following publications have been ascertained in the context of this evaluation (PMID: 18765512, 39106437). ClinVar contains an entry for this variant (Variation ID: 740). Based on the evidence outlined above, the variant was classified as pathogenic.

PreventionGenetics, part of Exact Sciences
Classification: Likely pathogenic for IYD-related condition. Last evaluated: 2025-02-26. Review status: criteria provided, single submitter. Criteria: ACMG Guidelines, 2015. Collection method: clinical testing. Allele origin: germline.
Comment: The IYD c.658G>A variant is predicted to result in the amino acid substitution p.Ala220Thr. This variant was reported in the homozygous state in related individuals with hypothyroidism and shown to co-segregates with disease. Functional studies using HEK-293 cells indicate the p.Ala220Thr variant abolishes enzymatic function of the IYD protein (Afink et al. 2008. PubMed ID: 18765512). This variant is reported in 0.0062% of alleles in individuals of European (Non-Finnish) descent in gnomAD. This variant is interpreted as likely pathogenic.

Fulgent Genetics
Classification: Likely pathogenic for Iodotyrosine deiodination defect. Last evaluated: 2024-05-13. Review status: criteria provided, single submitter. Criteria: ACMG Guidelines, 2015. Collection method: clinical testing. Allele origin: germline.

OMIM
Classification: Pathogenic for THYROID DYSHORMONOGENESIS 4. Last evaluated: 2008-12-01. Review status: no assertion criteria provided. Collection method: literature only. Allele origin: germline. Not counted in ClinVar's aggregate classification.

Literature cited by the submitters: PubMed 18765512 (cited by Women's Health and Genetics/Laboratory Corporation of America, LabCorp and OMIM); PubMed 39106437 (cited by Women's Health and Genetics/Laboratory Corporation of America, LabCorp).